The following is an entry in ClinVar:

NM_004218.4(RAB11B):c.564C>T (p.Asp188=)

Gene: RAB11B (RAB11B, member RAS oncogene family; plus strand). Cytogenetic location: 19p13.2.
Variant type: single nucleotide variant.
Coding change: c.564C>T on transcript NM_004218.4 (MANE Select); coding-DNA position 564, C replaced by T.
Protein change: p.Asp188=; no amino-acid change (aspartic acid 188 retained).
Molecular consequence: synonymous variant.
Genome position (GRCh38, 1-based): chr19:8,403,465, C>T. VCF-style: chr19-8403465-C-T. GRCh37 (hg19) VCF-style: chr19-8468349-C-T.
Other names: c.564C>T (NM_004218.3).
Identifiers: ClinVar variation 1623618 (VCV001623618.11), dbSNP rs113471546, ClinGen allele CA9156426.

ClinVar aggregate classification (germline): Benign/Likely benign. Review status: criteria provided, multiple submitters, no conflicts (2 of 4 stars). 3 submissions from 3 submitters: Benign (1); Likely benign (1). 1 of the submissions does not count toward it. Last evaluated 2025-12-22.

Conditions:
RAB11B-related disorder. Also called: RAB11B-related condition.

Allele frequency attached by ClinVar (database versions not stated): gnomAD exomes 0.00004 and 0.00006; ExAC 0.00008; ESP Exome Variant Server 0.00015; 1000 Genomes Project 30x 0.00031; gnomAD 0.00031 and 0.00036; TOPMed 0.00034; 1000 Genomes Project 0.00040.
gnomAD v4.1: 126 of 1,613,878 alleles (0.0078%); highest among the groups gnomAD compares: African/African-American, 0.13%; 1 homozygote.

Submissions (3):

Labcorp Genetics (formerly Invitae), Labcorp
Classification: Benign. Last evaluated: 2025-12-22. Review status: criteria provided, single submitter. Criteria: Invitae Variant Classification Sherloc (09022015). Collection method: clinical testing. Allele origin: germline.

Blueprint Genetics
Classification: Likely benign. Last evaluated: 2024-07-05. Review status: criteria provided, single submitter. Criteria: ACMG Guidelines, 2015. Collection method: clinical testing. Allele origin: germline.

PreventionGenetics, part of Exact Sciences
Classification: Likely benign for RAB11B-related condition. Last evaluated: 2023-06-06. Review status: no assertion criteria provided. Collection method: clinical testing. Allele origin: germline. Not counted in ClinVar's aggregate classification.
Comment: This variant is classified as likely benign based on ACMG/AMP sequence variant interpretation guidelines (Richards et al. 2015 PMID: 25741868, with internal and published modifications).